The following is an entry in ClinVar:

ClinVar aggregate classification (germline): Likely benign (0 of 4 stars; one submission).

Conditions:
PLXNA3-related disorder. Also called: PLXNA3-related condition.

Allele frequency attached by ClinVar (database versions not stated): gnomAD exomes below 0.00001; ExAC 0.00001; TOPMed 0.00001; gnomAD 0.00002.
gnomAD v4.1: 5 of 1,173,454 alleles (0.00043%); highest among the groups gnomAD compares: Non-Finnish European, 0.00058%; no homozygotes.

Submission:

PreventionGenetics, part of Exact Sciences
Classification: Likely benign for PLXNA3-related condition. Last evaluated: 2022-04-14. Review status: no assertion criteria provided. Collection method: clinical testing. Allele origin: germline.
Comment: This variant is classified as likely benign based on ACMG/AMP sequence variant interpretation guidelines (Richards et al. 2015 PMID: 25741868, with internal and published modifications).

NM_017514.5(PLXNA3):c.5616A>G (p.Ter1872=)

Gene: PLXNA3 (plexin A3; plus strand). Cytogenetic location: Xq28.
Variant type: single nucleotide variant.
Coding change: c.5616A>G on transcript NM_017514.5 (MANE Select); coding-DNA position 5616, A replaced by G.
Protein change: p.Ter1872=.
Molecular consequence: synonymous variant.
Genome position (GRCh38, 1-based): chrX:154,472,685, A>G. VCF-style: chrX-154472685-A-G. GRCh37 (hg19) VCF-style: chrX-153701028-A-G.
Identifiers: ClinVar variation 3032448 (VCV003032448.2), dbSNP rs782004593, ClinGen allele CA10565167.
Genomic context (GRCh38, chrX:154,472,685, plus strand): 5'-GAAGCATAAGTTGCGGCAGAAACTGGAACAGATCATCAGCCTCGTGTCCAGCGACAGCTA[A>G]GGTGGTGGAATCGGTGAGGAGGGGGCTTCTCAGTCCTGTGCCGTCCTCCCATCCAGGGGA-3'